The following is an entry in ClinVar:

NM_182961.4(SYNE1):c.19588G>A (p.Glu6530Lys)

Gene: SYNE1 (spectrin repeat containing nuclear envelope protein 1; minus strand). Cytogenetic location: 6q25.2.
Variant type: single nucleotide variant.
Coding change: c.19588G>A on transcript NM_182961.4 (MANE Select); coding-DNA position 19588, G replaced by A.
Protein change: p.Glu6530Lys; replaces glutamic acid 6530 with lysine.
Molecular consequence: missense variant.
Genome position (GRCh38, 1-based): chr6:152,244,641, C>T on the plus strand (G>A on the coding strand, the complement: SYNE1 is on the minus strand). VCF-style: chr6-152244641-C-T. GRCh37 (hg19) VCF-style: chr6-152565776-C-T.
Other names: c.19375G>A, p.Glu6459Lys (NM_033071.5); short protein forms E6459K, E6530K.
Identifiers: ClinVar variation 955508 (VCV000955508.9), dbSNP rs2086635846, ClinGen allele CA366131201.
Genomic context (GRCh38, chr6:152,244,641, plus strand): 5'-GCTTGTCACCACGCCTCTTTAATTCAATGATTCCTGCATCAAATTCTTTGAGTCCATCTT[C>T]AGCCTGTTGTATTGCCTAAGTAAGATCCATGACATTTTATTAAAACTCCCATGAACAATT-3'
Protein context (NP_892006.3, residues 6520-6540): AEQIEAIQQA[Glu6530Lys]DGLKEFDAGI

ClinVar aggregate classification (germline): Uncertain significance (1 of 4 stars; one submission).

Conditions:
Autosomal recessive ataxia, Beauce type. Also called: Spinocerebellar ataxia, autosomal recessive 8; ATAXIA, RECESSIVE, OF BEAUCE; SYNE1-Related Autosomal Recessive Cerebellar Ataxia; SYNE1 Deficiency. Identifiers: Orphanet 88644, MedGen C1853116, MONDO:0012549, OMIM 610743.
Emery-Dreifuss muscular dystrophy 4, autosomal dominant (EDMD4). Also called: EMERY-DREIFUSS MUSCULAR DYSTROPHY 4 WITH VARIABLE FEATURES. Identifiers: Orphanet 261, MedGen C2751807, MONDO:0013071, OMIM 612998.

Submission:

Labcorp Genetics (formerly Invitae), Labcorp
Classification: Uncertain significance for Emery-Dreifuss muscular dystrophy 4, autosomal dominant; Autosomal recessive ataxia, Beauce type. Last evaluated: 2022-02-03. Review status: criteria provided, single submitter. Criteria: Invitae Variant Classification Sherloc (09022015). Collection method: clinical testing. Allele origin: germline.
Comment: In summary, the available evidence is currently insufficient to determine the role of this variant in disease. Therefore, it has been classified as a Variant of Uncertain Significance. Algorithms developed to predict the effect of missense changes on protein structure and function (SIFT, PolyPhen-2, Align-GVGD) all suggest that this variant is likely to be disruptive. ClinVar contains an entry for this variant (Variation ID: 955508). This variant has not been reported in the literature in individuals affected with SYNE1-related conditions. This variant is not present in population databases (gnomAD no frequency). This sequence change replaces glutamic acid, which is acidic and polar, with lysine, which is basic and polar, at codon 6459 of the SYNE1 protein (p.Glu6459Lys).